The following is an entry in ClinVar:

NM_024989.4(PGAP1):c.583A>C (p.Asn195His)

Gene: PGAP1 (post-GPI attachment to proteins inositol deacylase 1; minus strand). Cytogenetic location: 2q33.1.
Variant type: single nucleotide variant.
Coding change: c.583A>C on transcript NM_024989.4 (MANE Select); coding-DNA position 583, A replaced by C.
Protein change: p.Asn195His; replaces asparagine 195 with histidine.
Molecular consequence: missense variant. On other transcripts: 5 prime UTR variant (1).
Genome position (GRCh38, 1-based): chr2:196,912,948, T>G on the plus strand (A>C on the coding strand, the complement: PGAP1 is on the minus strand). VCF-style: chr2-196912948-T-G. GRCh37 (hg19) VCF-style: chr2-197777672-T-G.
Other names: c.61A>C, p.Asn21His (NM_001321099.2); c.-529A>C (NM_001321100.2); short protein forms N195H, N21H.
Identifiers: ClinVar variation 2151272 (VCV002151272.4), dbSNP rs1482241246, ClinGen allele CA350179465.
Genomic context (GRCh38, chr2:196,912,948, plus strand): 5'-TGAAACGATCTAATGGCATCACAGGAGCAACATGAGGTGTGGCTTGTGTAATAAGAAGAT[T>G]TATCAGATCATGCTTAAAATTTTTCAGTGTAAGCAATGCTCTTGCAACAAGGCCACCCAT-3'
Protein context (NP_079265.2, residues 185-205): TLKNFKHDLI[Asn195His]LLITQATPHV

ClinVar aggregate classification (germline): Uncertain significance (1 of 4 stars; one submission).

Conditions:
Intellectual disability, autosomal recessive 42 (NEDDSBA). Also called: GLYCOSYLPHOSPHATIDYLINOSITOL BIOSYNTHESIS DEFECT 9; Neurodevelopmental disorder with dysmorphic features, spasticity, and brain abnormalities. Identifiers: Orphanet 88616, MedGen C4014343, MONDO:0014348, OMIM 615802.

Allele frequency attached by ClinVar (database versions not stated): TOPMed below 0.00001.

Submission:

Labcorp Genetics (formerly Invitae), Labcorp
Classification: Uncertain significance for Intellectual disability, autosomal recessive 42. Last evaluated: 2024-02-17. Review status: criteria provided, single submitter. Criteria: Invitae Variant Classification Sherloc (09022015). Collection method: clinical testing. Allele origin: germline.
Comment: This sequence change replaces asparagine, which is neutral and polar, with histidine, which is basic and polar, at codon 195 of the PGAP1 protein (p.Asn195His). This variant is present in population databases (no rsID available, gnomAD 0.006%). This variant has not been reported in the literature in individuals affected with PGAP1-related conditions. ClinVar contains an entry for this variant (Variation ID: 2151272). Advanced modeling of protein sequence and biophysical properties (such as structural, functional, and spatial information, amino acid conservation, physicochemical variation, residue mobility, and thermodynamic stability) performed at Invitae indicates that this missense variant is not expected to disrupt PGAP1 protein function with a negative predictive value of 80%. In summary, the available evidence is currently insufficient to determine the role of this variant in disease. Therefore, it has been classified as a Variant of Uncertain Significance.